The following is an entry in ClinVar:

ClinVar aggregate classification (germline): Pathogenic. Review status: criteria provided, single submitter (1 of 4 stars). 2 submissions from 1 submitter: Pathogenic (2). Last evaluated 2023-03-23.

Conditions:
Deficiency of hydroxymethylglutaryl-CoA lyase (HMGCLD). Also called: HMGCL DEFICIENCY; HYDROXYMETHYLGLUTARIC ACIDURIA; HMG-CoA LYASE DEFICIENCY; Defect in leucine metabolism; 3-hydroxy-3-methylglutaric aciduria. Identifiers: Orphanet 20, MedGen C1533587, MONDO:0009520, OMIM 246450.
UDPglucose-4-epimerase deficiency. Also called: GALACTOSEMIA III; GALE DEFICIENCY; UDP-GALACTOSE-4-EPIMERASE DEFICIENCY; Galactose epimerase deficiency; UDPglucose 4-Epimerase Deficiency Disease; Epimerase Deficiency Galactosemia. Identifiers: Orphanet 352, Orphanet 79238, MedGen C0751161, MONDO:0009257, OMIM 230350.

Submissions (2):

Labcorp Genetics (formerly Invitae), Labcorp
Classification: Pathogenic for Deficiency of hydroxymethylglutaryl-CoA lyase. Last evaluated: 2023-03-23. Review status: criteria provided, single submitter. Criteria: Invitae Variant Classification Sherloc (09022015). Collection method: clinical testing. Allele origin: unknown.
Comment: A gross deletion of the genomic region encompassing the full coding sequence of the HMGCL gene has been identified. Loss-of-function variants in HMGCL are known to be pathogenic (PMID: 9817922, 17692550, 23465862). The boundaries of this event are unknown as they extend beyond the assayed region for this gene and therefore may encompass additional genes. For these reasons, this variant has been classified as Pathogenic. This variant has not been reported in the literature in individuals affected with HMGCL-related conditions.

Labcorp Genetics (formerly Invitae), Labcorp
Classification: Pathogenic for UDPglucose-4-epimerase deficiency. Last evaluated: 2023-03-23. Review status: criteria provided, single submitter. Criteria: Invitae Variant Classification Sherloc (09022015). Collection method: clinical testing. Allele origin: unknown.
Comment: For these reasons, this variant has been classified as Pathogenic. This variant has not been reported in the literature in individuals affected with GALE-related conditions. This variant is a gross deletion of the genomic region encompassing exon(s) 1-4 of the GALE gene, which includes the initiator codon. This deletion extends beyond the assayed region for this gene and therefore may encompass additional genes. It is expected to result in an absent or disrupted protein product. Loss-of-function variants in GALE are known to be pathogenic (PMID: 16301867).

Literature cited by the submitters: PubMed 9817922; PubMed 17692550; PubMed 23465862; PubMed 16301867.

NC_000001.10:g.(?_24125085)_(24151905_?)del

Genes: GALE (UDP-galactose-4-epimerase; minus strand), HMGCL (3-hydroxy-3-methylglutaryl-CoA lyase; minus strand). Cytogenetic location: 1p36.11.
Variant type: Deletion.
Identifiers: ClinVar variation 3247673 (VCV003247673.1).